The following is an entry in ClinVar:

ClinVar aggregate classification (germline): Uncertain significance (1 of 4 stars; one submission).

Conditions:
Congenital myopathy with internal nuclei and atypical cores. Also called: Myopathy, centronuclear, 4. Identifiers: Orphanet 319160, MedGen C4707232, MONDO:0013890, OMIM 614807.

Allele frequency attached by ClinVar (database versions not stated): gnomAD exomes below 0.00001 and 0.00001; TOPMed 0.00001.
gnomAD v4.1: 2 of 1,596,948 alleles (0.00013%); highest among the groups gnomAD compares: Admixed American, 0.0034%; no homozygotes.

Submission:

Labcorp Genetics (formerly Invitae), Labcorp
Classification: Uncertain significance for Congenital myopathy with internal nuclei and atypical cores. Last evaluated: 2025-08-11. Review status: criteria provided, single submitter. Criteria: Invitae Variant Classification Sherloc (09022015). Collection method: clinical testing. Allele origin: germline.
Comment: This sequence change replaces glutamic acid, which is acidic and polar, with glycine, which is neutral and non-polar, at codon 256 of the CCDC78 protein (p.Glu256Gly). The frequency data for this variant in the population databases is considered unreliable, as metrics indicate poor data quality at this position in the gnomAD database. This variant has not been reported in the literature in individuals affected with CCDC78-related conditions. ClinVar contains an entry for this variant (Variation ID: 540467). An algorithm developed to predict the effect of missense changes on protein structure and function outputs the following: PolyPhen-2: "Benign". The glycine amino acid residue is found in multiple mammalian species, which suggests that this missense change does not adversely affect protein function. In summary, the available evidence is currently insufficient to determine the role of this variant in disease. Therefore, it has been classified as a Variant of Uncertain Significance.

NM_001378030.1(CCDC78):c.767A>G (p.Glu256Gly)

Gene: CCDC78 (coiled-coil domain containing 78; minus strand). Cytogenetic location: 16p13.3.
Variant type: single nucleotide variant.
Coding change: c.767A>G on transcript NM_001378030.1 (MANE Select); coding-DNA position 767, A replaced by G.
Protein change: p.Glu256Gly; replaces glutamic acid 256 with glycine.
Molecular consequence: missense variant. On other transcripts: non-coding transcript variant (5).
Genome position (GRCh38, 1-based): chr16:724,508, T>C on the plus strand (A>G on the coding strand, the complement: CCDC78 is on the minus strand). VCF-style: chr16-724508-T-C. GRCh37 (hg19) VCF-style: chr16-774508-T-C.
Other names: c.767A>G, p.Glu256Gly (NM_001031737.3, NM_001378031.1); c.200A>G, p.Glu67Gly (NM_001378033.1); short protein forms E256G, E67G.
Identifiers: ClinVar variation 540467 (VCV000540467.5), dbSNP rs1374510953, ClinGen allele CA394100896.